The following is an entry in ClinVar:

NM_005188.4(CBL):c.2308G>A (p.Glu770Lys)

Gene: CBL (Cbl proto-oncogene; plus strand). Cytogenetic location: 11q23.3.
Variant type: single nucleotide variant.
Coding change: c.2308G>A on transcript NM_005188.4 (MANE Select); coding-DNA position 2308, G replaced by A.
Protein change: p.Glu770Lys; replaces glutamic acid 770 with lysine.
Molecular consequence: missense variant.
Genome position (GRCh38, 1-based): chr11:119,298,414, G>A. VCF-style: chr11-119298414-G-A. GRCh37 (hg19) VCF-style: chr11-119169124-G-A.
Other names: c.2308G>A (NM_005188.2); short protein forms E770K.
Identifiers: ClinVar variation 941357 (VCV000941357.10), dbSNP rs749595774, ClinGen allele CA6318748.
Genomic context (GRCh38, chr11:119,298,414, plus strand): 5'-CCAGGTGAAGGGAATTTGGCCGCAGCCCATGCCAACACTGGTCCCGAGGAGTCAGAAAAT[G>A]AGGATGATGGGTATGATGTCCCAAAGCCACCTGTGCCGGCCGTGCTGGCCCGCCGAACTC-3'
Protein context (NP_005179.2, residues 760-780): ANTGPEESEN[Glu770Lys]DDGYDVPKPP

ClinVar aggregate classification (germline): Uncertain significance. Review status: criteria provided, multiple submitters, no conflicts (2 of 4 stars). 2 submissions from 2 submitters: Uncertain significance (2). Last evaluated 2026-05-14.

Conditions:
Cardiovascular phenotype. Identifiers: MedGen CN230736.
RASopathy. Also called: rasopathies; Noonan spectrum disorder. Identifiers: Orphanet 536391, MedGen C5555857, MONDO:0021060.

Allele frequency attached by ClinVar (database versions not stated): ExAC 0.00001; gnomAD exomes 0.00001 and below 0.00001; gnomAD 0.00001.
gnomAD v4.1: 2 of 1,614,080 alleles (0.00012%); highest among the groups gnomAD compares: Non-Finnish European, 0.00017%; no homozygotes.

Submissions (2):

Ambry Genetics
Classification: Uncertain significance for Cardiovascular phenotype. Last evaluated: 2026-05-14. Review status: criteria provided, single submitter. Criteria: Ambry Variant Classification Scheme 2023. Collection method: clinical testing. Allele origin: germline.
Comment: The p.E770K variant (also known as c.2308G>A), located in coding exon 15 of the CBL gene, results from a G to A substitution at nucleotide position 2308. The glutamic acid at codon 770 is replaced by lysine, an amino acid with similar properties. This amino acid position is conserved. In addition, the in silico prediction for this alteration is inconclusive. Based on the available evidence, the clinical significance of this variant remains unclear.

Labcorp Genetics (formerly Invitae), Labcorp
Classification: Uncertain significance for RASopathy. Last evaluated: 2019-10-08. Review status: criteria provided, single submitter. Criteria: Invitae Variant Classification Sherloc (09022015). Collection method: clinical testing. Allele origin: germline.
Comment: This sequence change replaces glutamic acid with lysine at codon 770 of the CBL protein (p.Glu770Lys). The glutamic acid residue is moderately conserved and there is a small physicochemical difference between glutamic acid and lysine. This variant is present in population databases (rs749595774, ExAC 0.001%). This variant has not been reported in the literature in individuals with CBL-related conditions. Algorithms developed to predict the effect of missense changes on protein structure and function (SIFT, PolyPhen-2, Align-GVGD) all suggest that this variant is likely to be tolerated, but these predictions have not been confirmed by published functional studies and their clinical significance is uncertain. In summary, the available evidence is currently insufficient to determine the role of this variant in disease. Therefore, it has been classified as a Variant of Uncertain Significance.